The following is an entry in ClinVar:

NM_014363.6(SACS):c.8790_8793del (p.Lys2930fs)

Gene: SACS (sacsin molecular chaperone; minus strand). Cytogenetic location: 13q12.12.
Variant type: Deletion.
Coding change: c.8790_8793del on transcript NM_014363.6 (MANE Select); coding-DNA positions 8790 to 8793, 4 bases deleted (AAAA; older notation c.8790_8793delAAAA).
Protein change: p.Lys2930fs; shifts the reading frame from lysine 2930.
Molecular consequence: frameshift variant.
Genome position (GRCh38, 1-based): chr13:23,335,083-23,335,086, TTTT deleted on the plus strand (AAAA on the coding strand, the reverse complement: SACS is on the minus strand); deleting any 4 consecutive bases within chr13:23,335,083-23,335,089 gives the same sequence; the c. name uses the placement nearest the transcript's 3' end. VCF-style (leftmost placement, unchanged base first): chr13-23335082-GTTTT-G. GRCh37 (hg19) VCF-style: chr13-23909221-GTTTT-G.
Other names: c.8349_8352del, p.Lys2783fs (NM_001278055.2); short protein forms K2783fs, K2930fs.
Identifiers: ClinVar variation 2501203 (VCV002501203.1), dbSNP rs767871841, ClinGen allele CA2580614618.

ClinVar aggregate classification (germline): Likely pathogenic (1 of 4 stars; one submission).

Conditions:
Charlevoix-Saguenay spastic ataxia (SACS). Also called: AUTOSOMAL RECESSIVE SPASTIC ATAXIA OF CHARLEVOIX-SAGUENAY; SPASTIC ATAXIA 6, AUTOSOMAL RECESSIVE; Spastic ataxia of Charlevoix-Saguenay. Identifiers: Orphanet 98, MedGen C1849140, MONDO:0010041, OMIM 270550.

Submission:

Women's Health and Genetics/Laboratory Corporation of America, LabCorp
Classification: Likely pathogenic for Charlevoix-Saguenay spastic ataxia. Last evaluated: 2023-03-02. Review status: criteria provided, single submitter. Criteria: LabCorp Variant Classification Summary - May 2015. Collection method: clinical testing. Allele origin: germline.
Comment: Variant summary: SACS c.8790_8793delAAAA (p.Lys2930AsnfsX22) results in a premature termination codon, predicted to cause a truncation of the encoded protein or absence of the protein. Truncations downstream of this position have been classified as pathogenic by our laboratory. The variant was absent in 250652 control chromosomes (gnomAD). To our knowledge, no occurrence of c.8790_8793delAAAA in individuals affected with Autosomal Recessive Spastic Ataxia Of Charlevoix-Saguenay and no experimental evidence demonstrating its impact on protein function have been reported. No clinical diagnostic laboratories have submitted clinical-significance assessments for this variant to ClinVar after 2014. Based on the evidence outlined above, the variant was classified as likely pathogenic.